The following is an entry in ClinVar:

ClinVar aggregate classification (germline): Uncertain significance (1 of 4 stars; one submission).

Allele frequency attached by ClinVar (database versions not stated): TOPMed below 0.00001; gnomAD 0.00001.
gnomAD v4.1: 1 of 1,613,846 alleles (0.000062%); highest among the groups gnomAD compares: East Asian, 0.0022%; no homozygotes.

Submission:

Labcorp Genetics (formerly Invitae), Labcorp
Classification: Uncertain significance. Last evaluated: 2022-06-13. Review status: criteria provided, single submitter. Criteria: Invitae Variant Classification Sherloc (09022015). Collection method: clinical testing. Allele origin: germline.
Comment: This sequence change replaces glutamic acid, which is acidic and polar, with glycine, which is neutral and non-polar, at codon 2504 of the ADGRV1 protein (p.Glu2504Gly). This variant is not present in population databases (gnomAD no frequency). This variant has not been reported in the literature in individuals affected with ADGRV1-related conditions. Algorithms developed to predict the effect of missense changes on protein structure and function are either unavailable or do not agree on the potential impact of this missense change (SIFT: "Tolerated"; PolyPhen-2: "Probably Damaging"; Align-GVGD: "Class C0"). In summary, the available evidence is currently insufficient to determine the role of this variant in disease. Therefore, it has been classified as a Variant of Uncertain Significance.

NM_032119.4(ADGRV1):c.7511A>G (p.Glu2504Gly)

Gene: ADGRV1 (adhesion G protein-coupled receptor V1; plus strand). Cytogenetic location: 5q14.3.
Variant type: single nucleotide variant.
Coding change: c.7511A>G on transcript NM_032119.4 (MANE Select); coding-DNA position 7511, A replaced by G.
Protein change: p.Glu2504Gly; replaces glutamic acid 2504 with glycine.
Molecular consequence: missense variant. On other transcripts: non-coding transcript variant (1).
Genome position (GRCh38, 1-based): chr5:90,694,267, A>G. VCF-style: chr5-90694267-A-G. GRCh37 (hg19) VCF-style: chr5-89990084-A-G.
Other names: short protein forms E2504G.
Identifiers: ClinVar variation 1485415 (VCV001485415.3), dbSNP rs1437943128, ClinGen allele CA360378624.
Genomic context (GRCh38, chr5:90,694,267, plus strand): 5'-AAAACATGACCAGGGTAGCATCTCTTTTTAGTGGTCAGGCTGTGGCTGGGAGTGACTATG[A>G]GCCTGTGACAAGGCAATGGGCCATAATGCAGGAAGGTGATGAATTCGCAAATCTCACAGT-3'
Protein context (NP_115495.3, residues 2494-2514): SGQAVAGSDY[Glu2504Gly]PVTRQWAIMQ